The following is an entry in ClinVar:

NM_003890.3(FCGBP):c.14577C>T (p.Asn4859=)

Gene: FCGBP (Fc gamma binding protein; minus strand). Cytogenetic location: 19q13.2.
Variant type: single nucleotide variant.
Coding change: c.14577C>T on transcript NM_003890.3 (MANE Select); coding-DNA position 14577, C replaced by T.
Protein change: p.Asn4859=; no amino-acid change (asparagine 4859 retained).
Molecular consequence: synonymous variant.
Genome position (GRCh38, 1-based): chr19:39,873,425, G>A on the plus strand (C>T on the coding strand, the complement: FCGBP is on the minus strand). VCF-style: chr19-39873425-G-A. GRCh37 (hg19) VCF-style: chr19-40364065-G-A.
Identifiers: ClinVar variation 2649841 (VCV002649841.24), dbSNP rs140593694, ClinGen allele CA9435310.

ClinVar aggregate classification (germline): Likely benign (1 of 4 stars; one submission).

Allele frequency attached by ClinVar (database versions not stated): gnomAD 0.00002; ExAC 0.00003; TOPMed 0.00004; ESP Exome Variant Server 0.00008.

Submission:

CeGaT Center for Human Genetics Tuebingen
Classification: Likely benign. Last evaluated: 2022-07-01. Review status: criteria provided, single submitter. Criteria: CeGaT Center For Human Genetics Tuebingen Variant Classification Criteria Version 2. Collection method: clinical testing. Allele origin: germline. Affected: yes. Observed: 1 variant allele.
Comment: FCGBP: BP4, BP7